The following is an entry in ClinVar:

ClinVar aggregate classification (germline): Pathogenic/Likely pathogenic. Review status: criteria provided, multiple submitters, no conflicts (2 of 4 stars). 3 submissions from 3 submitters: Pathogenic (2); Likely pathogenic (1). Last evaluated 2025-12-12.

Conditions:
Hypotonia, infantile, with psychomotor retardation and characteristic facies 2 (IHPRF2). Also called: UNC80 Deficiency. Identifiers: Orphanet 371364, Orphanet 700333, MedGen C4225203, MONDO:0014777, OMIM 616801.

Allele frequency attached by ClinVar (database versions not stated): gnomAD exomes below 0.00001 and 0.00001; TOPMed 0.00001; gnomAD 0.00002.

Submissions (3):

Women's Health and Genetics/Laboratory Corporation of America, LabCorp
Classification: Pathogenic for Hypotonia, infantile, with psychomotor retardation and characteristic facies 2. Last evaluated: 2025-12-12. Review status: criteria provided, single submitter. Criteria: LabCorp Variant Classification Summary - May 2015. Collection method: clinical testing. Allele origin: germline.
Comment: Variant summary: UNC80 c.6175C>T (p.Arg2059X) results in a premature termination codon, predicted to cause absence of the protein due to nonsense mediated decay, which is a commonly known mechanism for disease. The variant allele was found at a frequency of 6.4e-06 in 157454 control chromosomes. To our knowledge, no occurrence of c.6175C>T in individuals affected with UNC80-related conditions and no experimental evidence demonstrating its impact on protein function have been reported. ClinVar contains an entry for this variant (Variation ID: 422552). Based on the evidence outlined above, the variant was classified as pathogenic.

Labcorp Genetics (formerly Invitae), Labcorp
Classification: Pathogenic. Last evaluated: 2024-06-04. Review status: criteria provided, single submitter. Criteria: Invitae Variant Classification Sherloc (09022015). Collection method: clinical testing. Allele origin: germline.
Comment: This sequence change creates a premature translational stop signal (p.Arg2059*) in the UNC80 gene. It is expected to result in an absent or disrupted protein product. Loss-of-function variants in UNC80 are known to be pathogenic (PMID: 26545877, 26708751, 26708753). This variant is present in population databases (no rsID available, gnomAD 0.004%). This variant has not been reported in the literature in individuals affected with UNC80-related conditions. ClinVar contains an entry for this variant (Variation ID: 422552). Algorithms developed to predict the effect of sequence changes on RNA splicing suggest that this variant may disrupt the consensus splice site. For these reasons, this variant has been classified as Pathogenic.

GeneDx
Classification: Likely pathogenic. Last evaluated: 2016-10-24. Review status: criteria provided, single submitter. Criteria: GeneDx Variant Classification (06012015). Collection method: clinical testing. Allele origin: germline. Affected: yes.
Comment: The R2059X variant has not been published as a pathogenic variant, nor has it been reported as a benign variant to our knowledge. It was not observed in approximately 2,300 individuals of European and African American ancestry in the NHLBI Exome Sequencing Project, indicating it is not a common benign variant in these populations. The R2059X variant is predicted to cause loss of normal protein function either through protein truncation or nonsense-mediated mRNA decay. Therefore, this variant is likely pathogenic; however, the possibility that it is benign cannot be excluded.

Literature cited by the submitters: PubMed 26545877 (cited by Labcorp Genetics (formerly Invitae), Labcorp); PubMed 26708751 (cited by Labcorp Genetics (formerly Invitae), Labcorp); PubMed 26708753 (cited by Labcorp Genetics (formerly Invitae), Labcorp).

NM_001371986.1(UNC80):c.6373C>T (p.Arg2125Ter)

Gene: UNC80 (unc-80 subunit of NALCN channel complex; plus strand). Cytogenetic location: 2q34.
Variant type: single nucleotide variant.
Coding change: c.6373C>T on transcript NM_001371986.1 (MANE Select); coding-DNA position 6373, C replaced by T.
Protein change: p.Arg2125Ter; replaces arginine 2125 with a stop codon.
Molecular consequence: nonsense.
Genome position (GRCh38, 1-based): chr2:209,937,538, C>T. VCF-style: chr2-209937538-C-T. GRCh37 (hg19) VCF-style: chr2-210802262-C-T.
Other names: c.6175C>T, p.Arg2059Ter (NM_032504.2); c.6160C>T, p.Arg2054Ter (NM_182587.4); short protein forms R2059*, R2054*, R2125*.
Identifiers: ClinVar variation 422552 (VCV000422552.5), dbSNP rs940057866, ClinGen allele CA16617419.